The following is an entry in ClinVar:

NM_001365088.1(SLC12A6):c.2363del (p.Gly788fs)

Gene: SLC12A6 (solute carrier family 12 member 6; minus strand). Cytogenetic location: 15q14.
Variant type: Deletion.
Coding change: c.2363del on transcript NM_001365088.1 (MANE Select); coding-DNA position 2363, one base deleted (G; older notation c.2363delG).
Protein change: p.Gly788fs; shifts the reading frame from glycine 788.
Molecular consequence: frameshift variant.
Genome position (GRCh38, 1-based): chr15:34,240,734, C deleted on the plus strand (G on the coding strand, the reverse complement: SLC12A6 is on the minus strand); the first of 2 consecutive C bases (chr15:34,240,734-34,240,735); deleting either gives the same sequence. VCF-style (leftmost placement, unchanged base first): chr15-34240733-AC-A. GRCh37 (hg19) VCF-style: chr15-34532934-AC-A.
Other names: c.2186del, p.Gly729fs (NM_001042494.2, NM_001042495.2); c.2336del, p.Gly779fs (NM_001042496.2); c.2318del, p.Gly773fs (NM_001042497.2); c.2210del, p.Gly737fs (NM_005135.2); c.2363del, p.Gly788fs (NM_133647.2); short protein forms G729fs, G737fs, G773fs, G779fs, G788fs.
Identifiers: ClinVar variation 5014122 (VCV005014122.1).
Genomic context (GRCh38, chr15:34,240,733, plus strand): 5'-TAAAGCTTCACCGTAGTTCTCTAGGAAGTTCCCCACGATGACAGAGCCCACAATAGTGAG[AC>A]CTTTTCCTGCTTTGAGCTGTGAGGCAAAGGTGAGGAGGCGAGGATGCTTGACATGTAAGT-3'

ClinVar aggregate classification (germline): Pathogenic (1 of 4 stars; one submission).

Conditions:
Agenesis of the corpus callosum with peripheral neuropathy (ACCPN). Also called: CHARLEVOIX DISEASE; POLYNEUROPATHY, SENSORIMOTOR, WITH OR WITHOUT AGENESIS OF THE CORPUS CALLOSUM; HMSN/ACC; Hereditary Motor and Sensory Neuropathy with Agenesis of the Corpus Callosum. Identifiers: Orphanet 1496, MedGen C0795950, MONDO:0000902, OMIM 218000. Disease mechanism: loss of function.

Submission:

Myriad Genetics, Inc.
Classification: Pathogenic for Agenesis of the corpus callosum with peripheral neuropathy. Last evaluated: 2025-02-21. Review status: criteria provided, single submitter. Criteria: Myriad Autosomal Dominant, Autosomal Recessive and X-Linked Classification Criteria (2023). Collection method: clinical testing. Allele origin: unknown.
Comment: NM_133647.1(SLC12A6):c.2363delG(G788Vfs*14) is expected to be pathogenic in the context of Andermann syndrome. This variant is predicted to lead to an abnormal or absent protein product due to the creation of a premature termination codon in SLC12A6, a gene where loss-of-function variants are known to be pathogenic. Please note: this variant was assessed in the context of healthy population screening.